The following is an entry in ClinVar:

NM_015065.3(EXPH5):c.4930C>A (p.Pro1644Thr)

Gene: EXPH5 (exophilin 5; minus strand). Cytogenetic location: 11q22.3.
Variant type: single nucleotide variant.
Coding change: c.4930C>A on transcript NM_015065.3 (MANE Select); coding-DNA position 4930, C replaced by A.
Protein change: p.Pro1644Thr; replaces proline 1644 with threonine.
Molecular consequence: missense variant.
Genome position (GRCh38, 1-based): chr11:108,510,577, G>T on the plus strand (C>A on the coding strand, the complement: EXPH5 is on the minus strand). VCF-style: chr11-108510577-G-T. GRCh37 (hg19) VCF-style: chr11-108381304-G-T.
Other names: c.4702C>A, p.Pro1568Thr (NM_001144763.2); c.4462C>A, p.Pro1488Thr (NM_001144764.2); c.4366C>A, p.Pro1456Thr (NM_001144765.2); c.4909C>A, p.Pro1637Thr (NM_001308019.2); short protein forms P1456T, P1488T, P1644T, P1568T, P1637T.
Identifiers: ClinVar variation 2388784 (VCV002388784.5), dbSNP rs773368892, ClinGen allele CA6267435.

ClinVar aggregate classification (germline): Uncertain significance. Review status: criteria provided, multiple submitters, no conflicts (2 of 4 stars). 3 submissions from 3 submitters: Uncertain significance (3). Last evaluated 2026-06-27.

Conditions:
EXPH5-related disorder. Also called: EXPH5-related condition.
Inborn genetic diseases. Identifiers: MedGen C0950123, MeSH D030342.

Allele frequency attached by ClinVar (database versions not stated): ExAC 0.00008; gnomAD exomes 0.00011; gnomAD 0.00020; TOPMed 0.00027.
gnomAD v4.1: 198 of 1,613,938 alleles (0.012%); highest among the groups gnomAD compares: Middle Eastern, 0.099%; no homozygotes.

Submissions (3):

PreventionGenetics, part of Exact Sciences
Classification: Uncertain significance for EXPH5-related condition. Last evaluated: 2026-06-27. Review status: criteria provided, single submitter. Criteria: ACMG Guidelines, 2015. Collection method: clinical testing. Allele origin: germline.
Comment: The EXPH5 c.4930C>A variant is predicted to result in the amino acid substitution p.Pro1644Thr. To our knowledge, this variant has not been reported in the literature. This variant is reported in 0.040% of alleles in individuals of Latino descent in gnomAD. At this time, the clinical significance of this variant is uncertain due to the absence of conclusive functional and genetic evidence.

Ambry Genetics
Classification: Uncertain significance for Inborn genetic diseases. Last evaluated: 2024-11-29. Review status: criteria provided, single submitter. Criteria: Ambry Variant Classification Scheme 2023. Collection method: clinical testing. Allele origin: germline.

Blueprint Genetics
Classification: Uncertain significance. Last evaluated: 2024-09-13. Review status: criteria provided, single submitter. Criteria: ACMG Guidelines, 2015. Collection method: clinical testing. Allele origin: germline.